The following is an entry in ClinVar:

ClinVar aggregate classification (germline): Uncertain significance (1 of 4 stars; one submission).

Conditions:
Cardiovascular phenotype. Identifiers: MedGen CN230736.

Submission:

Ambry Genetics
Classification: Uncertain significance for Cardiovascular phenotype. Last evaluated: 2023-04-22. Review status: criteria provided, single submitter. Criteria: Ambry Variant Classification Scheme 2023. Collection method: clinical testing. Allele origin: germline.
Comment: The p.A14V variant (also known as c.41C>T), located in coding exon 1 of the EPHB4 gene, results from a C to T substitution at nucleotide position 41. The alanine at codon 14 is replaced by valine, an amino acid with similar properties. This amino acid position is conserved. In addition, this alteration is predicted to be tolerated by in silico analysis. Since supporting evidence is limited at this time, the clinical significance of this alteration remains unclear.

NM_004444.5(EPHB4):c.41C>T (p.Ala14Val)

Genes: EPHB4 (EPH receptor B4; minus strand), SLC12A9 (solute carrier family 12 member 9; plus strand). Cytogenetic location: 7q22.1.
Variant type: single nucleotide variant.
Coding change: c.41C>T on transcript NM_004444.5 (MANE Select); coding-DNA position 41, C replaced by T.
Protein change: p.Ala14Val; replaces alanine 14 with valine.
Molecular consequence: missense variant. On other transcripts: 5 prime UTR variant (1).
Genome position (GRCh38, 1-based): chr7:100,826,990, G>A on the plus strand (C>T on the coding strand, the complement: EPHB4 is on the minus strand). VCF-style: chr7-100826990-G-A. GRCh37 (hg19) VCF-style: chr7-100424612-G-A.
Other names: c.-39G>A (NM_001363494.1); short protein forms A14V.
Identifiers: ClinVar variation 2565145 (VCV002565145.2), dbSNP rs2485063108, ClinGen allele CA368585806.